The following is an entry in ClinVar:

ClinVar aggregate classification (germline): Uncertain significance. Review status: criteria provided, multiple submitters, no conflicts (2 of 4 stars). 3 submissions from 3 submitters: Uncertain significance (3). Last evaluated 2022-02-03.

Conditions:
Cortical dysplasia-focal epilepsy syndrome (PTHSL1). Also called: Pitt-Hopkins-like syndrome 1. Identifiers: Orphanet 163681, Orphanet 221150, MedGen C2750246, MONDO:0012400, OMIM 610042.

Allele frequency attached by ClinVar (database versions not stated): gnomAD 0.00001.
gnomAD v4.1: 18 of 1,614,092 alleles (0.0011%); highest among the groups gnomAD compares: Middle Eastern, 0.016%; no homozygotes.

Submissions (3):

Labcorp Genetics (formerly Invitae), Labcorp
Classification: Uncertain significance for Cortical dysplasia-focal epilepsy syndrome. Last evaluated: 2022-02-03. Review status: criteria provided, single submitter. Criteria: Invitae Variant Classification Sherloc (09022015). Collection method: clinical testing. Allele origin: germline.
Comment: In summary, the available evidence is currently insufficient to determine the role of this variant in disease. Therefore, it has been classified as a Variant of Uncertain Significance. Algorithms developed to predict the effect of missense changes on protein structure and function are either unavailable or do not agree on the potential impact of this missense change (SIFT: "Deleterious"; PolyPhen-2: "Benign"; Align-GVGD: "Class C0"). ClinVar contains an entry for this variant (Variation ID: 810203). This variant has not been reported in the literature in individuals affected with CNTNAP2-related conditions. This variant is not present in population databases (gnomAD no frequency). This sequence change replaces threonine, which is neutral and polar, with isoleucine, which is neutral and non-polar, at codon 120 of the CNTNAP2 protein (p.Thr120Ile).

GeneDx
Classification: Uncertain significance. Last evaluated: 2019-04-22. Review status: criteria provided, single submitter. Criteria: GeneDx Variant Classification Process June 2021. Collection method: clinical testing. Allele origin: germline. Affected: yes.
Comment: Not observed in large population cohorts (Lek et al., 2016); In silico analysis, which includes protein predictors and evolutionary conservation, supports a deleterious effect; Has not been previously published as pathogenic or benign to our knowledge

CeGaT Center for Human Genetics Tuebingen
Classification: Uncertain significance. Last evaluated: 2019-01-01. Review status: criteria provided, single submitter. Criteria: CeGaT Center For Human Genetics Tuebingen Variant Classification Criteria Version 2. Collection method: clinical testing. Allele origin: germline. Affected: yes. Observed: 1 variant allele.

NM_014141.6(CNTNAP2):c.359C>T (p.Thr120Ile)

Gene: CNTNAP2 (contactin associated protein 2; plus strand). Cytogenetic location: 7q35.
Variant type: single nucleotide variant.
Coding change: c.359C>T on transcript NM_014141.6 (MANE Select); coding-DNA position 359, C replaced by T.
Protein change: p.Thr120Ile; replaces threonine 120 with isoleucine.
Molecular consequence: missense variant.
Genome position (GRCh38, 1-based): chr7:146,839,861, C>T. VCF-style: chr7-146839861-C-T. GRCh37 (hg19) VCF-style: chr7-146536953-C-T.
Other names: short protein forms T120I.
Identifiers: ClinVar variation 810203 (VCV000810203.48), dbSNP rs1585116406, ClinGen allele CA369922792.